The following is an entry in ClinVar:

NM_001205293.3(CACNA1E):c.6746C>T (p.Thr2249Met)

Gene: CACNA1E (calcium voltage-gated channel subunit alpha1 E; plus strand). Cytogenetic location: 1q25.3.
Variant type: single nucleotide variant.
Coding change: c.6746C>T on transcript NM_001205293.3 (MANE Select); coding-DNA position 6746, C replaced by T.
Protein change: p.Thr2249Met; replaces threonine 2249 with methionine.
Molecular consequence: missense variant.
Genome position (GRCh38, 1-based): chr1:181,798,638, C>T. VCF-style: chr1-181798638-C-T. GRCh37 (hg19) VCF-style: chr1-181767774-C-T.
Other names: c.6617C>T, p.Thr2206Met (NM_000721.4); c.6560C>T, p.Thr2187Met (NM_001205294.2); short protein forms T2187M, T2206M, T2249M.
Identifiers: ClinVar variation 4822539 (VCV004822539.4).

ClinVar aggregate classification (germline): Uncertain significance (1 of 4 stars; one submission).

gnomAD v4.1: 7 of 1,610,640 alleles (0.00043%); highest among the groups gnomAD compares: South Asian, 0.0022%; no homozygotes.

Submission:

CeGaT Center for Human Genetics Tuebingen
Classification: Uncertain significance. Last evaluated: 2026-01-01. Review status: criteria provided, single submitter. Criteria: CeGaT Center For Human Genetics Tuebingen Variant Classification Criteria Version 2. Collection method: clinical testing. Allele origin: germline. Affected: yes. Observed: 1 variant allele.
Comment: CACNA1E: PP3